The following is an entry in ClinVar:

NM_000252.3(MTM1):c.1319del (p.Gln440fs)

Gene: MTM1 (myotubularin 1; plus strand). Cytogenetic location: Xq28.
Variant type: Deletion.
Coding change: c.1319del on transcript NM_000252.3 (MANE Select); coding-DNA position 1319, one base deleted (A; older notation c.1319delA).
Protein change: p.Gln440fs; shifts the reading frame from glutamine 440.
Molecular consequence: frameshift variant.
Genome position (GRCh38, 1-based): chrX:150,659,722, A deleted. VCF-style (leftmost placement, unchanged base first): chrX-150659721-CA-C. GRCh37 (hg19) VCF-style: chrX-149828194-CA-C.
Other names: c.1319del, p.Gln440fs (NM_001376906.1, NM_001376908.1); c.1208del, p.Gln403fs (NM_001376907.1); short protein forms Q403fs, Q440fs.
Identifiers: ClinVar variation 1724955 (VCV001724955.2), dbSNP rs2522443558, ClinGen allele CA2580101654.

ClinVar aggregate classification (germline): Likely pathogenic (1 of 4 stars; one submission).

Conditions:
Severe X-linked myotubular myopathy (CNMX). Also called: MYOTUBULAR MYOPATHY 1; Myotubular myopathy, X-linked; X-linked centronuclear myopathy. Identifiers: Orphanet 596, MedGen C0410203, MONDO:0010683, OMIM 310400.

Submission:

Myriad Genetics, Inc.
Classification: Likely pathogenic for Severe X-linked myotubular myopathy. Last evaluated: 2022-03-03. Review status: criteria provided, single submitter. Criteria: Myriad Women's Health Autosomal Recessive and X-Linked Classification Criteria (2021). Collection method: clinical testing. Allele origin: unknown.
Comment: NM_000252.2(MTM1):c.1319delA(Q440Rfs*24) is expected to be pathogenic in the context of X-linked myotubular myopathy. This variant is predicted to lead to an abnormal or absent protein product due to the creation of a premature termination codon in MTM1, a gene where loss-of-function variants are known to be pathogenic. Please note: this variant was assessed in the context of healthy population screening.